The following is an entry in ClinVar:

ClinVar aggregate classification (germline): Uncertain significance. Review status: criteria provided, multiple submitters, no conflicts (2 of 4 stars). 2 submissions from 2 submitters: Uncertain significance (2). Last evaluated 2024-05-08.

Conditions:
Inborn genetic diseases. Identifiers: MedGen C0950123, MeSH D030342.
Nephronophthisis. Also called: Juvenile Nephronophthisis. Identifiers: Orphanet 655, MedGen C0687120, MONDO:0019005, HP:0000090.

Allele frequency attached by ClinVar (database versions not stated): gnomAD exomes below 0.00001; ExAC 0.00001; TOPMed 0.00001.
gnomAD v4.1: 1 of 1,608,962 alleles (0.000062%); highest among the groups gnomAD compares: Non-Finnish European, 0.000085%; no homozygotes.

Submissions (2):

Ambry Genetics
Classification: Uncertain significance for Inborn genetic diseases. Last evaluated: 2024-05-08. Review status: criteria provided, single submitter. Criteria: Ambry Variant Classification Scheme 2023. Collection method: clinical testing. Allele origin: germline.

Labcorp Genetics (formerly Invitae), Labcorp
Classification: Uncertain significance for Nephronophthisis. Last evaluated: 2022-09-07. Review status: criteria provided, single submitter. Criteria: Invitae Variant Classification Sherloc (09022015). Collection method: clinical testing. Allele origin: germline.
Comment: This variant is present in population databases (rs760858838, gnomAD 0.0009%). In summary, the available evidence is currently insufficient to determine the role of this variant in disease. Therefore, it has been classified as a Variant of Uncertain Significance. Algorithms developed to predict the effect of missense changes on protein structure and function output the following: SIFT: "Tolerated"; PolyPhen-2: "Benign"; Align-GVGD: "Class C0". The alanine amino acid residue is found in multiple mammalian species, which suggests that this missense change does not adversely affect protein function. This variant has not been reported in the literature in individuals affected with NPHP4-related conditions. This sequence change replaces threonine, which is neutral and polar, with alanine, which is neutral and non-polar, at codon 711 of the NPHP4 protein (p.Thr711Ala).

NM_015102.5(NPHP4):c.2131A>G (p.Thr711Ala)

Gene: NPHP4 (nephrocystin 4; minus strand). Cytogenetic location: 1p36.31.
Variant type: single nucleotide variant.
Coding change: c.2131A>G on transcript NM_015102.5 (MANE Select); coding-DNA position 2131, A replaced by G.
Protein change: p.Thr711Ala; replaces threonine 711 with alanine.
Molecular consequence: missense variant. On other transcripts: non-coding transcript variant (1).
Genome position (GRCh38, 1-based): chr1:5,904,629, T>C on the plus strand (A>G on the coding strand, the complement: NPHP4 is on the minus strand). VCF-style: chr1-5904629-T-C. GRCh37 (hg19) VCF-style: chr1-5964689-T-C.
Other names: c.592A>G, p.Thr198Ala (NM_001291593.2); c.595A>G, p.Thr199Ala (NM_001291594.2); c.2131A>G (NM_015102.3); short protein forms T199A, T198A, T711A.
Identifiers: ClinVar variation 2000982 (VCV002000982.5), dbSNP rs760858838, ClinGen allele CA554266.